The following is an entry in ClinVar:

ClinVar aggregate classification (germline): Pathogenic (1 of 4 stars; one submission).

Conditions:
Salla disease (SD). Also called: Sialuria, Finnish type; N-acetylneuraminic acid (NANA) storage disease (NSD); Infantile sialic acid storage disorder (ISSD); Less Severe FSASD (Salla Disease). Identifiers: Orphanet 309334, Orphanet 834, MedGen C1096903, MONDO:0011449, OMIM 604369.

Submission:

Labcorp Genetics (formerly Invitae), Labcorp
Classification: Pathogenic for Salla disease. Last evaluated: 2021-02-13. Review status: criteria provided, single submitter. Criteria: Invitae Variant Classification Sherloc (09022015). Collection method: clinical testing. Allele origin: germline.
Comment: This sequence change creates a premature translational stop signal (p.Leu74*) in the SLC17A5 gene. It is expected to result in an absent or disrupted protein product. Loss-of-function variants in SLC17A5 are known to be pathogenic (PMID: 10581036, 10947946, 15172001). This variant is not present in population databases (ExAC no frequency). ClinVar contains an entry for this variant (Variation ID: 644884). This variant has not been reported in the literature in individuals with SLC17A5-related conditions. For these reasons, this variant has been classified as Pathogenic.

Literature cited by the submitters: PubMed 10581036; PubMed 10947946; PubMed 15172001.

NM_012434.5(SLC17A5):c.221T>A (p.Leu74Ter)

Gene: SLC17A5 (solute carrier family 17 member 5; minus strand). Cytogenetic location: 6q13.
Variant type: single nucleotide variant.
Coding change: c.221T>A on transcript NM_012434.5 (MANE Select); coding-DNA position 221, T replaced by A.
Protein change: p.Leu74Ter; replaces leucine 74 with a stop codon.
Molecular consequence: nonsense.
Genome position (GRCh38, 1-based): chr6:73,644,477, A>T on the plus strand (T>A on the coding strand, the complement: SLC17A5 is on the minus strand). VCF-style: chr6-73644477-A-T. GRCh37 (hg19) VCF-style: chr6-74354200-A-T.
Other names: short protein forms L74*.
Identifiers: ClinVar variation 644884 (VCV000644884.6), dbSNP rs1474077825, ClinGen allele CA364718931.